The following is an entry in ClinVar:

NM_001134831.2(AHI1):c.950A>T (p.Asp317Val)

Gene: AHI1 (Abelson helper integration site 1; minus strand). Cytogenetic location: 6q23.3.
Variant type: single nucleotide variant.
Coding change: c.950A>T on transcript NM_001134831.2 (MANE Select); coding-DNA position 950, A replaced by T.
Protein change: p.Asp317Val; replaces aspartic acid 317 with valine.
Molecular consequence: missense variant.
Genome position (GRCh38, 1-based): chr6:135,457,695, T>A on the plus strand (A>T on the coding strand, the complement: AHI1 is on the minus strand). VCF-style: chr6-135457695-T-A. GRCh37 (hg19) VCF-style: chr6-135778833-T-A.
Other names: c.950A>T, p.Asp317Val (NM_001134830.2, NM_001134832.2, NM_001350503.2 and 2 more transcripts); c.950A>T (NM_017651.4); short protein forms D317V.
Identifiers: ClinVar variation 1414009 (VCV001414009.8), dbSNP rs769064296, ClinGen allele CA4012701.

ClinVar aggregate classification (germline): Uncertain significance. Review status: criteria provided, multiple submitters, no conflicts (2 of 4 stars). 2 submissions from 2 submitters: Uncertain significance (2). Last evaluated 2025-08-21.

Conditions:
Inborn genetic diseases. Identifiers: MedGen C0950123, MeSH D030342.
Joubert syndrome. Also called: CEREBELLOPARENCHYMAL DISORDER IV; JOUBERT-BOLTSHAUSER SYNDROME; Familial aplasia of the vermis. Identifiers: Orphanet 475, MedGen C5979921, MONDO:0018772.

Allele frequency attached by ClinVar (database versions not stated): gnomAD exomes below 0.00001; ExAC 0.00001.
gnomAD v4.1: 1 of 1,613,798 alleles (0.000062%); highest among the groups gnomAD compares: East Asian, 0.0022%; no homozygotes.

Submissions (2):

Labcorp Genetics (formerly Invitae), Labcorp
Classification: Uncertain significance for Joubert syndrome. Last evaluated: 2025-08-21. Review status: criteria provided, single submitter. Criteria: Invitae Variant Classification Sherloc (09022015). Collection method: clinical testing. Allele origin: germline.
Comment: This sequence change replaces aspartic acid, which is acidic and polar, with valine, which is neutral and non-polar, at codon 317 of the AHI1 protein (p.Asp317Val). This variant is not present in population databases (gnomAD no frequency). This variant has not been reported in the literature in individuals affected with AHI1-related conditions. ClinVar contains an entry for this variant (Variation ID: 1414009). Invitae Evidence Modeling of protein sequence and biophysical properties (such as structural, functional, and spatial information, amino acid conservation, physicochemical variation, residue mobility, and thermodynamic stability) indicates that this missense variant is not expected to disrupt AHI1 protein function with a negative predictive value of 95%. In summary, the available evidence is currently insufficient to determine the role of this variant in disease. Therefore, it has been classified as a Variant of Uncertain Significance.

Ambry Genetics
Classification: Uncertain significance for Inborn genetic diseases. Last evaluated: 2022-12-12. Review status: criteria provided, single submitter. Criteria: Ambry Variant Classification Scheme 2023. Collection method: clinical testing. Allele origin: germline.